The following is an entry in ClinVar:

ClinVar aggregate classification (germline): Pathogenic (1 of 4 stars; one submission).

Conditions:
Familial thoracic aortic aneurysm and aortic dissection (TAAD). Also called: Thoracic aortic aneurysms and dissections. Identifiers: Orphanet 91387, MedGen C4707243, MONDO:0019625.

Submission:

Labcorp Genetics (formerly Invitae), Labcorp
Classification: Pathogenic for Familial thoracic aortic aneurysm and aortic dissection. Last evaluated: 2024-12-04. Review status: criteria provided, single submitter. Criteria: Invitae Variant Classification Sherloc (09022015). Collection method: clinical testing. Allele origin: germline.
Comment: This sequence change results in a frameshift in the SMAD3 gene (p.Ser423Cysfs*64). While this is not anticipated to result in nonsense mediated decay, it is expected to disrupt the last 3 amino acid(s) of the SMAD3 protein and extend the protein by 60 additional amino acid residues. This variant is not present in population databases (gnomAD no frequency). This variant has not been reported in the literature in individuals affected with SMAD3-related conditions. This variant disrupts a region of the SMAD3 protein in which other variant(s) (p.Ser425Cys) have been determined to be pathogenic (internal data). This suggests that this is a clinically significant region of the protein, and that variants that disrupt it are likely to be disease-causing. For these reasons, this variant has been classified as Pathogenic.

NM_005902.4(SMAD3):c.1266_1267del (p.Ser423fs)

Gene: SMAD3 (SMAD family member 3; plus strand). Cytogenetic location: 15q22.33.
Variant type: Deletion.
Coding change: c.1266_1267del on transcript NM_005902.4 (MANE Select); coding-DNA positions 1266 to 1267, 2 bases deleted (CA; older notation c.1266_1267delCA).
Protein change: p.Ser423fs; shifts the reading frame from serine 423.
Molecular consequence: frameshift variant.
Genome position (GRCh38, 1-based): chr15:67,190,524-67,190,525, CA deleted. VCF-style (leftmost placement, unchanged base first): chr15-67190523-CCA-C. GRCh37 (hg19) VCF-style: chr15-67482861-CCA-C.
Other names: c.951_952del, p.Ser318fs (NM_001145102.2, NM_001407016.1); c.1134_1135del, p.Ser379fs (NM_001145103.2, NM_001407012.1); c.681_682del, p.Ser228fs (NM_001145104.2, NM_001407017.1); c.1377_1378del, p.Ser460fs (NM_001407011.1); c.1128_1129del, p.Ser377fs (NM_001407013.1); c.1119_1120del, p.Ser374fs (NM_001407014.1); c.819_820del, p.Ser274fs (NM_001407015.1); short protein forms S318fs, S379fs, S423fs, S228fs, S274fs, S374fs, S377fs, S460fs.
Identifiers: ClinVar variation 3656706 (VCV003656706.2).
Genomic context (GRCh38, chr15:67,190,523, plus strand): 5'-GGCCTTTGCAGTGGCTTGACAAGGTCCTCACCCAGATGGGCTCCCCAAGCATCCGCTGTT[CCA>C]GTGTGTCTTAGAGACATCAAGTATGGTAGGGGAGGGCAGGCTTGGGGAAAATGGCCATGC-3'